The following is an entry in ClinVar:

ClinVar aggregate classification (germline): Uncertain significance. Review status: criteria provided, multiple submitters, no conflicts (2 of 4 stars). 3 submissions from 3 submitters: Uncertain significance (3). Last evaluated 2024-10-04.

Conditions:
Idiopathic generalized epilepsy. Also called: Generalised epilepsy; EIG. Identifiers: MedGen C0270850, MONDO:0005579, OMIM 600669.
Epilepsy, idiopathic generalized, susceptibility to, 13. Also called: EPILEPSY, JUVENILE MYOCLONIC, SUSCEPTIBILITY TO, 5. Identifiers: Orphanet 307, Orphanet 64280, MedGen C4013473, MONDO:0012627, OMIM 611136.
Epilepsy, childhood absence 4 (ECA4). Also called: EPILEPSY, CHILDHOOD ABSENCE, SUSCEPTIBILITY TO, 4. Identifiers: Orphanet 307, MedGen C1970160.
Inborn genetic diseases. Identifiers: MedGen C0950123, MeSH D030342.

Allele frequency attached by ClinVar (database versions not stated): gnomAD 0.00001; gnomAD exomes 0.00001; TOPMed 0.00001.
gnomAD v4.1: 6 of 1,614,084 alleles (0.00037%); highest among the groups gnomAD compares: Non-Finnish European, 0.00051%; no homozygotes.

Submissions (3):

Labcorp Genetics (formerly Invitae), Labcorp
Classification: Uncertain significance for Epilepsy, childhood absence 4; Epilepsy, idiopathic generalized, susceptibility to, 13; Idiopathic generalized epilepsy. Last evaluated: 2024-10-04. Review status: criteria provided, single submitter. Criteria: Invitae Variant Classification Sherloc (09022015). Collection method: clinical testing. Allele origin: germline.
Comment: This sequence change replaces threonine, which is neutral and polar, with alanine, which is neutral and non-polar, at codon 394 of the GABRA1 protein (p.Thr394Ala). This variant is present in population databases (no rsID available, gnomAD 0.002%). This variant has not been reported in the literature in individuals affected with GABRA1-related conditions. ClinVar contains an entry for this variant (Variation ID: 590018). Invitae Evidence Modeling of protein sequence and biophysical properties (such as structural, functional, and spatial information, amino acid conservation, physicochemical variation, residue mobility, and thermodynamic stability) indicates that this missense variant is not expected to disrupt GABRA1 protein function with a negative predictive value of 80%. In summary, the available evidence is currently insufficient to determine the role of this variant in disease. Therefore, it has been classified as a Variant of Uncertain Significance.

Blueprint Genetics
Classification: Uncertain significance. Last evaluated: 2020-05-12. Review status: criteria provided, single submitter. Criteria: ACMG Guidelines, 2015. Collection method: clinical testing. Allele origin: germline.

Ambry Genetics
Classification: Uncertain significance for Inborn genetic diseases. Last evaluated: 2017-09-22. Review status: criteria provided, single submitter. Criteria: Ambry Variant Classification Scheme 2023. Collection method: clinical testing. Allele origin: germline.
Comment: The p.T394A variant (also known as c.1180A>G), located in coding exon 9 of the GABRA1 gene, results from an A to G substitution at nucleotide position 1180. The threonine at codon 394 is replaced by alanine, an amino acid with similar properties. This amino acid position is well conserved in available vertebrate species. In addition, this alteration is predicted to be tolerated by in silico analysis. Since supporting evidence is limited at this time, the clinical significance of this alteration remains unclear.

NM_001127644.2(GABRA1):c.1180A>G (p.Thr394Ala)

Gene: GABRA1 (gamma-aminobutyric acid type A receptor subunit alpha1; plus strand). Cytogenetic location: 5q34.
Variant type: single nucleotide variant.
Coding change: c.1180A>G on transcript NM_001127644.2 (MANE Select); coding-DNA position 1180, A replaced by G.
Protein change: p.Thr394Ala; replaces threonine 394 with alanine.
Molecular consequence: missense variant.
Genome position (GRCh38, 1-based): chr5:161,897,231, A>G. VCF-style: chr5-161897231-A-G. GRCh37 (hg19) VCF-style: chr5-161324237-A-G.
Other names: c.1180A>G, p.Thr394Ala (NM_000806.5, NM_001127643.2, NM_001127645.2 and 1 more transcripts); short protein forms T394A.
Identifiers: ClinVar variation 590018 (VCV000590018.8), dbSNP rs1414103631, ClinGen allele CA362180824.